The following is an entry in ClinVar:

ClinVar aggregate classification (germline): Pathogenic. Review status: reviewed by expert panel (3 of 4 stars). 2 submissions from 2 submitters: Pathogenic (1). 1 of the submissions does not count toward it. Last evaluated 2016-10-18.

Conditions:
Breast-ovarian cancer, familial, susceptibility to, 2 (BROVCA2). Also called: BRCA2 Hereditary Breast and Ovarian Cancer. Identifiers: Orphanet 145, MedGen C2675520, MONDO:0012933, OMIM 612555. Disease mechanism: loss of function.

Submissions (2):

Evidence-based Network for the Interpretation of Germline Mutant Alleles (ENIGMA)
Classification: Pathogenic for Breast-ovarian cancer, familial, susceptibility to, 2. Last evaluated: 2016-10-18. Review status: reviewed by expert panel. Criteria: ENIGMA BRCA1/2 Classification Criteria (2015). Collection method: curation. Allele origin: germline.
Comment: Variant allele predicted to encode a truncated non-functional protein.

Consortium of Investigators of Modifiers of BRCA1/2 (CIMBA), c/o University of Cambridge
Classification: Pathogenic for Breast-ovarian cancer, familial, susceptibility to, 2. Last evaluated: 2015-10-02. Review status: criteria provided, single submitter. Criteria: CIMBA Mutation Classification guidelines May 2016. Collection method: clinical testing. Allele origin: germline. Not counted in ClinVar's aggregate classification.

NM_000059.4(BRCA2):c.8965del (p.Ile2989fs)

Gene: BRCA2 (BRCA2 DNA repair associated; plus strand). Cytogenetic location: 13q13.1.
Variant type: Deletion.
Coding change: c.8965del on transcript NM_000059.4 (MANE Select); coding-DNA position 8965, one base deleted (A; older notation c.8965delA).
Protein change: p.Ile2989fs; shifts the reading frame from isoleucine 2989.
Molecular consequence: frameshift variant.
Genome position (GRCh38, 1-based): chr13:32,379,761, A deleted. VCF-style (leftmost placement, unchanged base first): chr13-32379760-TA-T. GRCh37 (hg19) VCF-style: chr13-32953897-TA-T.
Other names: 9193delA; short protein forms I2989fs.
Identifiers: ClinVar variation 267125 (VCV000267125.7), dbSNP rs886040807, ClinGen allele CA10589534.
Genomic context (GRCh38, chr13:32,379,760, plus strand): 5'-AAATGATAATCACTTCTTCCATTGCATCTTTCTCATCTTTCTCCAAACAGTTATACTGAG[TA>T]TTTGGCGTCCATCATCAGATTTATATTCTCTGTTAACAGAAGGAAAGAGATACAGAATTT-3'